The following is an entry in ClinVar:

NM_000487.6(ARSA):c.256C>G (p.Arg86Gly)

Gene: ARSA (arylsulfatase A; minus strand). Cytogenetic location: 22q13.33.
Variant type: single nucleotide variant.
Coding change: c.256C>G on transcript NM_000487.6 (MANE Select); coding-DNA position 256, C replaced by G.
Protein change: p.Arg86Gly; replaces arginine 86 with glycine.
Molecular consequence: missense variant. On other transcripts: 5 prime UTR variant (2).
Genome position (GRCh38, 1-based): chr22:50,627,375, G>C on the plus strand (C>G on the coding strand, the complement: ARSA is on the minus strand). VCF-style: chr22-50627375-G-C. GRCh37 (hg19) VCF-style: chr22-51065803-G-C.
Other names: NP_000478.3:p.(Arg86Gly); c.256C>G, p.Arg86Gly (NM_001085425.3, NM_001085426.3, NM_001085427.3); c.-3C>G (NM_001085428.3, NM_001362782.2); c.256C>G (NM_000487.5); short protein forms R86G.
Identifiers: ClinVar variation 2884096 (VCV002884096.7), dbSNP rs199476352, ClinGen allele CA412181794.
Genomic context (GRCh38, chr22:50,627,375, plus strand): 5'-CCTCCAGGGGCAGGCCCCCCCGGGAGCTGGGCACCAGGACGCCAGGGTACATGCCCATCC[G>C]AACCGGGAGCCGGCCGGTCAGGAGGGCGGCCCTGCGGGACAAGTCACAGAGTCCCTGAGA-3'
Protein context (NP_000478.3, residues 76-96): AALLTGRLPV[Arg86Gly]MGMYPGVLVP

ClinVar aggregate classification (germline): Likely pathogenic. Review status: criteria provided, multiple submitters, no conflicts (2 of 4 stars). 4 submissions from 4 submitters: Likely pathogenic (4). Last evaluated 2026-09-17.

Conditions:
Metachromatic leukodystrophy (MLD). Also called: ARSA DEFICIENCY; CEREBROSIDE SULFATASE DEFICIENCY; METACHROMATIC LEUKOENCEPHALOPATHY; SULFATIDE LIPIDOSIS; Cerebral sclerosis diffuse metachromatic form; Arylsulfatase A Deficiency. Identifiers: Orphanet 512, MedGen C0023522, MONDO:0018868, OMIM 250100.

Submissions (4):

Laboratory of Experimental Gene Therapy of Hereditary Metabolic Diseases, Research Centre for Medical Genetics
Classification: Likely pathogenic for Metachromatic leukodystrophy. Last evaluated: 2026-09-17. Review status: criteria provided, single submitter. Criteria: ARSA MLD Assertion Criteria V2 2026 09 18. Collection method: clinical testing. Allele origin: germline. Inheritance: Autosomal recessive inheritance. Affected: yes. Observed: 1 variant allele, 1 homozygote.
Comment: The previously reported Likely pathogenic classification was reviewed and retained for the accompanying study. External ClinVar record reviewed: VCV002884096.6. Observations from the present referral series were not used to establish pathogenicity.

Women's Health and Genetics/Laboratory Corporation of America, LabCorp
Classification: Likely pathogenic for Metachromatic leukodystrophy. Last evaluated: 2025-10-07. Review status: criteria provided, single submitter. Criteria: LabCorp Variant Classification Summary - May 2015. Collection method: clinical testing. Allele origin: germline.
Comment: Variant summary: ARSA c.256C>G (p.Arg86Gly) results in a non-conservative amino acid change in the encoded protein sequence. Algorithms developed to predict the effect of missense changes on protein structure and function all suggest that this variant is likely to be disruptive. The variant was absent in 225598 control chromosomes. c.256C>G has been observed in the homozygous state in at least 1 individual(s) affected with clinical features of Metachromatic Leukodystrophy (Froukh_2019). These data indicate that the variant may be associated with disease. At least 2 different variants affecting the same codon have been classified as likely pathogenic/pathogenic by our lab (c.256C>T, p.Arg86Trp and c.257G>A, p.Arg86Gln), supporting the critical relevance of codon 86 to ARSA protein function. To our knowledge, no experimental evidence demonstrating an impact on protein function has been reported. The following publications have been ascertained in the context of this evaluation (PMID: 37267771, 30834272, 32632536). ClinVar contains an entry for this variant (Variation ID: 2884096). Based on the evidence outlined above, the variant was classified as likely pathogenic.

Natera, Inc.
Classification: Likely pathogenic for Metachromatic leukodystrophy. Last evaluated: 2024-07-16. Review status: criteria provided, single submitter. Criteria: Natera Variant Classification Schema (03/2026). Collection method: clinical testing. Allele origin: germline.
Comment: The c.256C>G variant in ARSA is a missense variant predicted to cause substitution of arginine to glycine at amino acid 86. This variant is rare in the general population with a frequency below the threshold expected for the associated phenotype(s). This variant has been observed in one or more individuals affected with the associated recessive disease, as either homozygous or compound heterozygous with a second variant (PMID: 30834272, 37267771). A different variant at the same position has been determined to be Pathogenic or Likely Pathogenic. Computational prediction algorithms indicate this variant is likely to affect gene or protein function. Given the available evidence, this variant is classified as Likely Pathogenic.

Labcorp Genetics (formerly Invitae), Labcorp
Classification: Likely pathogenic for Metachromatic leukodystrophy. Last evaluated: 2022-11-29. Review status: criteria provided, single submitter. Criteria: Invitae Variant Classification Sherloc (09022015). Collection method: clinical testing. Allele origin: germline.
Comment: This sequence change replaces arginine, which is basic and polar, with glycine, which is neutral and non-polar, at codon 86 of the ARSA protein (p.Arg86Gly). This variant is not present in population databases (gnomAD no frequency). This missense change has been observed in individual(s) with metachromatic leukodystrophy (PMID: 30834272). Advanced modeling of protein sequence and biophysical properties (such as structural, functional, and spatial information, amino acid conservation, physicochemical variation, residue mobility, and thermodynamic stability) performed at Invitae indicates that this missense variant is expected to disrupt ARSA protein function. This variant disrupts the p.Arg86 amino acid residue in ARSA. Other variant(s) that disrupt this residue have been determined to be pathogenic (PMID: 1353340, 12809637, 18693274, 26462614). This suggests that this residue is clinically significant, and that variants that disrupt this residue are likely to be disease-causing. In summary, the currently available evidence indicates that the variant is pathogenic, but additional data are needed to prove that conclusively. Therefore, this variant has been classified as Likely Pathogenic.

Literature cited by the submitters: PubMed 32632536 (cited by Women's Health and Genetics/Laboratory Corporation of America, LabCorp); PubMed 37267771 (cited by Women's Health and Genetics/Laboratory Corporation of America, LabCorp and Natera, Inc.); PubMed 30834272 (cited by 3 submitters); PubMed 1353340 (cited by Labcorp Genetics (formerly Invitae), Labcorp); PubMed 12809637 (cited by Labcorp Genetics (formerly Invitae), Labcorp); PubMed 18693274 (cited by Labcorp Genetics (formerly Invitae), Labcorp); PubMed 26462614 (cited by Labcorp Genetics (formerly Invitae), Labcorp).